The following is an entry in ClinVar:

ClinVar aggregate classification (germline): Uncertain significance (1 of 4 stars; one submission).

Allele frequency attached by ClinVar (database versions not stated): gnomAD exomes below 0.00001.
gnomAD v4.1: 4 of 1,611,908 alleles (0.00025%); highest among the groups gnomAD compares: South Asian, 0.0011%; no homozygotes.

Submission:

Labcorp Genetics (formerly Invitae), Labcorp
Classification: Uncertain significance. Last evaluated: 2023-08-27. Review status: criteria provided, single submitter. Criteria: Invitae Variant Classification Sherloc (09022015). Collection method: clinical testing. Allele origin: germline.
Comment: This sequence change creates a premature translational stop signal (p.Arg285*) in the SNIP1 gene. It is expected to result in an absent or disrupted protein product. However, the current clinical and genetic evidence is not sufficient to establish whether loss-of-function variants in SNIP1 cause disease. This variant is not present in population databases (gnomAD no frequency). This variant has not been reported in the literature in individuals affected with SNIP1-related conditions. In summary, the available evidence is currently insufficient to determine the role of this variant in disease. Therefore, it has been classified as a Variant of Uncertain Significance.

NM_024700.4(SNIP1):c.853C>T (p.Arg285Ter)

Genes: SNIP1 (Smad nuclear interacting protein 1; minus strand), LOC126805704 (BRD4-independent group 4 enhancer GRCh37_chr1:38005292-38006491; plus strand). Cytogenetic location: 1p34.3.
Variant type: single nucleotide variant.
Coding change: c.853C>T on transcript NM_024700.4 (MANE Select); coding-DNA position 853, C replaced by T.
Protein change: p.Arg285Ter; replaces arginine 285 with a stop codon.
Molecular consequence: nonsense.
Genome position (GRCh38, 1-based): chr1:37,540,230, G>A on the plus strand (C>T on the coding strand, the complement: SNIP1 is on the minus strand). VCF-style: chr1-37540230-G-A. GRCh37 (hg19) VCF-style: chr1-38005831-G-A.
Other names: short protein forms R285*.
Identifiers: ClinVar variation 2875916 (VCV002875916.3), dbSNP rs2522348056, ClinGen allele CA339448844.
Genomic context (GRCh38, chr1:37,540,230, plus strand): 5'-CCGCATGCTGCTTTGAACAAGACGGGTGATCAATTGGAATGTCTGCAATGCGGCGGTGTC[G>A]ACCCAGTAGGTACGCACTCTGTCGATGTATGTACATGACTGGAAGCACCTCATCATTTTT-3'